The following is an entry in ClinVar:

ClinVar aggregate classification (germline): Conflicting classifications of pathogenicity. Review status: criteria provided, conflicting classifications (1 of 4 stars). 5 submissions from 5 submitters: Uncertain significance (1); Benign (1); Likely benign (3). Last evaluated 2025-06-18.

Conditions:
SLC1A3-related disorder. Also called: SLC1A3-related condition.
Episodic ataxia type 6. Identifiers: Orphanet 209967, MedGen C2675211, MONDO:0012982, OMIM 612656.

Allele frequency attached by ClinVar (database versions not stated): gnomAD exomes 0.00005 and 0.00011; ExAC 0.00006; ESP Exome Variant Server 0.00008; TOPMed 0.00009; gnomAD 0.00011.
gnomAD v4.1: 181 of 1,612,642 alleles (0.011%); highest among the groups gnomAD compares: Middle Eastern, 0.033%; 1 homozygote.

Submissions (5):

PreventionGenetics, part of Exact Sciences
Classification: Likely benign for SLC1A3-related condition. Last evaluated: 2025-06-18. Review status: criteria provided, single submitter. Criteria: ACMG Guidelines, 2015. Collection method: clinical testing. Allele origin: germline.
Comment: This variant is classified as likely benign based on ACMG/AMP sequence variant interpretation guidelines (Richards et al. 2015 PMID: 25741868, with internal and published modifications).

Genome-Nilou Lab
Classification: Likely benign for Episodic ataxia type 6. Last evaluated: 2021-09-05. Review status: criteria provided, single submitter. Criteria: ACMG Guidelines, 2015. Collection method: clinical testing. Allele origin: germline. Affected: no.

CeGaT Center for Human Genetics Tuebingen
Classification: Uncertain significance. Last evaluated: 2019-07-01. Review status: criteria provided, single submitter. Criteria: CeGaT Center For Human Genetics Tuebingen Variant Classification Criteria Version 2. Collection method: clinical testing. Allele origin: germline. Affected: yes. Observed: 1 variant allele.

Athena Diagnostics
Classification: Benign. Last evaluated: 2018-12-21. Review status: criteria provided, single submitter. Criteria: Athena Diagnostics Criteria. Collection method: clinical testing. Allele origin: germline.

Illumina Laboratory Services, Illumina
Classification: Likely benign for Episodic ataxia type 6. Last evaluated: 2018-01-13. Review status: criteria provided, single submitter. Criteria: ICSL Variant Classification Criteria 13 December 2019. Collection method: clinical testing. Allele origin: germline.
Comment: This variant was observed in the ICSL laboratory as part of a predisposition screen in an ostensibly healthy population. It had not been previously curated by ICSL or reported in the Human Gene Mutation Database (HGMD: prior to June 1st, 2018), and was therefore a candidate for classification through an automated scoring system. Utilizing variant allele frequency, disease prevalence and penetrance estimates, and inheritance mode, an automated score was calculated to assess if this variant is too frequent to cause the disease. Based on the score and internal cut-off values, a variant classified as likely benign is not then subjected to further curation. The score for this variant resulted in a classification of likely benign for this disease.

NM_004172.5(SLC1A3):c.279G>A (p.Gln93=)

Gene: SLC1A3 (solute carrier family 1 member 3; plus strand). Cytogenetic location: 5p13.2.
Variant type: single nucleotide variant.
Coding change: c.279G>A on transcript NM_004172.5 (MANE Select); coding-DNA position 279, G replaced by A.
Protein change: p.Gln93=; no amino-acid change (glutamine 93 retained).
Molecular consequence: synonymous variant. On other transcripts: intron variant (1).
Genome position (GRCh38, 1-based): chr5:36,629,547, G>A. VCF-style: chr5-36629547-G-A. GRCh37 (hg19) VCF-style: chr5-36629649-G-A.
Other names: c.279G>A, p.Gln93= (NM_001166695.3, NM_001289940.2); c.181+20943G>A (NM_001289939.2).
Identifiers: ClinVar variation 805481 (VCV000805481.50), dbSNP rs375527461, ClinGen allele CA3235407.